The following is an entry in ClinVar:

NM_024675.4(PALB2):c.1270G>T (p.Ala424Ser)

Gene: PALB2 (partner and localizer of BRCA2; minus strand). Cytogenetic location: 16p12.2.
Variant type: single nucleotide variant.
Coding change: c.1270G>T on transcript NM_024675.4 (MANE Select); coding-DNA position 1270, G replaced by T.
Protein change: p.Ala424Ser; replaces alanine 424 with serine.
Molecular consequence: missense variant.
Genome position (GRCh38, 1-based): chr16:23,635,276, C>A on the plus strand (G>T on the coding strand, the complement: PALB2 is on the minus strand). VCF-style: chr16-23635276-C-A. GRCh37 (hg19) VCF-style: chr16-23646597-C-A.
Other names: c.1210G>T, p.Ala404Ser (NM_001407296.1); c.1270G>T, p.Ala424Ser (NM_001407297.1, NM_001407298.1, NM_001407299.1 and 3 more transcripts); c.385G>T, p.Ala129Ser (NM_001407304.1, NM_001407305.1, NM_001407306.1 and 5 more transcripts); short protein forms A404S, A424S, A129S.
Identifiers: ClinVar variation 1765453 (VCV001765453.2), dbSNP rs2142420905, ClinGen allele CA395132667.

ClinVar aggregate classification (germline): Uncertain significance (1 of 4 stars; one submission).

Conditions:
Hereditary cancer-predisposing syndrome. Also called: Neoplastic Syndromes, Hereditary; Tumor predisposition; Hereditary Cancer Syndrome; Hereditary neoplastic syndrome. Identifiers: Orphanet 140162, MedGen C0027672, MeSH D009386, MONDO:0015356.

Submission:

Ambry Genetics
Classification: Uncertain significance for Hereditary cancer-predisposing syndrome. Last evaluated: 2021-12-11. Review status: criteria provided, single submitter. Criteria: Ambry Variant Classification Scheme 2023. Collection method: clinical testing. Allele origin: germline.
Comment: The p.A424S variant (also known as c.1270G>T), located in coding exon 4 of the PALB2 gene, results from a G to T substitution at nucleotide position 1270. The alanine at codon 424 is replaced by serine, an amino acid with similar properties. This amino acid position is conserved. In addition, this alteration is predicted to be tolerated by in silico analysis. Since supporting evidence is limited at this time, the clinical significance of this alteration remains unclear.